The following is an entry in ClinVar:

ClinVar aggregate classification (germline): Pathogenic (1 of 4 stars; one submission).

Conditions:
Joubert syndrome 21 (JBTS21). Identifiers: MedGen C3810212, MONDO:0014288, OMIM 615636.

Submission:

Labcorp Genetics (formerly Invitae), Labcorp
Classification: Pathogenic for Joubert syndrome 21. Last evaluated: 2024-06-01. Review status: criteria provided, single submitter. Criteria: Invitae Variant Classification Sherloc (09022015). Collection method: clinical testing. Allele origin: germline.
Comment: This sequence change creates a premature translational stop signal (p.Gly639Valfs*14) in the CSPP1 gene. It is expected to result in an absent or disrupted protein product. Loss-of-function variants in CSPP1 are known to be pathogenic (PMID: 24360807, 24360808). The frequency data for this variant in the population databases is considered unreliable, as metrics indicate poor data quality at this position in the gnomAD database. This variant has not been reported in the literature in individuals affected with CSPP1-related conditions. For these reasons, this variant has been classified as Pathogenic.

Literature cited by the submitters: PubMed 24360807; PubMed 24360808.

NM_001382391.1(CSPP1):c.1929del (p.Gly644fs)

Gene: CSPP1 (centrosome and spindle pole associated protein 1; plus strand). Cytogenetic location: 8q13.2.
Variant type: Deletion.
Coding change: c.1929del on transcript NM_001382391.1 (MANE Select); coding-DNA position 1929, one base deleted (A; older notation c.1929delA).
Protein change: p.Gly644fs; shifts the reading frame from glycine 644.
Molecular consequence: frameshift variant.
Genome position (GRCh38, 1-based): chr8:67,137,557, A deleted; the last of 4 consecutive A bases (chr8:67,137,554-67,137,557); deleting any one gives the same sequence. VCF-style (leftmost placement, unchanged base first): chr8-67137553-GA-G. GRCh37 (hg19) VCF-style: chr8-68049788-GA-G.
Other names: c.1032del, p.Gly345fs (NM_001291339.2); c.1848del, p.Gly617fs (NM_001363131.2); c.1887del, p.Gly630fs (NM_001363132.2); c.1806del, p.Gly603fs (NM_001363133.2); c.1995del, p.Gly666fs (NM_001364869.1); c.1815del, p.Gly606fs (NM_001364870.1); c.1914delA, p.Gly639Valfs (NM_024790.7); short protein forms G606fs, G644fs, G666fs, G617fs, G630fs, G345fs, G603fs, G639fs.
Identifiers: ClinVar variation 3661567 (VCV003661567.2).
Genomic context (GRCh38, chr8:67,137,553, plus strand): 5'-AAGAAAAAGAAGAATATGAAGCTAAATTAGAAGCTGAAATGAGAACATATAATCCCTGGG[GA>G]AAAGGTGGAGGTGGTGCTCCTCTCAGGGATGCAAAAGGAAATCTGATAAGTACGTTATTT-3'